The following is an entry in ClinVar:

NM_014244.5(ADAMTS2):c.2958+20C>T

Gene: ADAMTS2 (ADAM metallopeptidase with thrombospondin type 1 motif 2; minus strand). Cytogenetic location: 5q35.3.
Variant type: single nucleotide variant.
Coding change: c.2958+20C>T on transcript NM_014244.5 (MANE Select); 20 bases into the intron after coding-DNA position 2958, C replaced by T.
Molecular consequence: intron variant.
Genome position (GRCh38, 1-based): chr5:179,124,953, G>A on the plus strand (C>T on the coding strand, the complement: ADAMTS2 is on the minus strand). VCF-style: chr5-179124953-G-A. GRCh37 (hg19) VCF-style: chr5-178551954-G-A.
Identifiers: ClinVar variation 508238 (VCV000508238.11), dbSNP rs200469634, ClinGen allele CA3595357.

ClinVar aggregate classification (germline): Benign/Likely benign. Review status: criteria provided, multiple submitters, no conflicts (2 of 4 stars). 4 submissions from 4 submitters: Benign (1); Likely benign (3). Last evaluated 2026-04-07.

Conditions:
Ehlers-Danlos syndrome, dermatosparaxis type. Also called: EDS VIIC; Ehlers-Danlos syndrome, type VII, autosomal recessive; Dermatosparaxis. Identifiers: Orphanet 1901, MedGen C2700425, MONDO:0009161, OMIM 225410.

Allele frequency attached by ClinVar (database versions not stated): gnomAD exomes 0.00053; ExAC 0.00062; ESP Exome Variant Server 0.00161; gnomAD 0.00223 and 0.00242; 1000 Genomes Project 30x 0.00250; 1000 Genomes Project 0.00260.
gnomAD v4.1: 636 of 1,597,984 alleles (0.04%); highest among the groups gnomAD compares: African/African-American, 0.77%; 1 homozygote.

Submissions (4):

Women's Health and Genetics/Laboratory Corporation of America, LabCorp
Classification: Likely benign. Last evaluated: 2026-04-07. Review status: criteria provided, single submitter. Criteria: LabCorp Variant Classification Summary - May 2015. Collection method: clinical testing. Allele origin: germline.

Labcorp Genetics (formerly Invitae), Labcorp
Classification: Benign for Ehlers-Danlos syndrome, dermatosparaxis type. Last evaluated: 2026-01-31. Review status: criteria provided, single submitter. Criteria: Invitae Variant Classification Sherloc (09022015). Collection method: clinical testing. Allele origin: germline.

Blueprint Genetics
Classification: Likely benign. Last evaluated: 2024-08-20. Review status: criteria provided, single submitter. Criteria: ACMG Guidelines, 2015. Collection method: clinical testing. Allele origin: germline.

GeneDx
Classification: Likely benign. Last evaluated: 2017-11-16. Review status: criteria provided, single submitter. Criteria: GeneDx Variant Classification (06012015). Collection method: clinical testing. Allele origin: germline. Affected: yes.
Comment: This variant is considered likely benign or benign based on one or more of the following criteria: it is a conservative change, it occurs at a poorly conserved position in the protein, it is predicted to be benign by multiple in silico algorithms, and/or has population frequency not consistent with disease.